The following is an entry in ClinVar:

NM_000257.4(MYH7):c.4979C>A (p.Ala1660Glu)

Genes: MHRT (myosin heavy chain associated RNA transcript; plus strand), MYH7 (myosin heavy chain 7; minus strand), LOC126861897 (BRD4-independent group 4 enhancer GRCh37_chr14:23884455-23885654; plus strand). Cytogenetic location: 14q11.2.
Variant type: single nucleotide variant.
Coding change: c.4979C>A on transcript NM_000257.4 (MANE Select); coding-DNA position 4979, C replaced by A.
Protein change: p.Ala1660Glu; replaces alanine 1660 with glutamic acid.
Molecular consequence: missense variant. On other transcripts: non-coding transcript variant (1).
Genome position (GRCh38, 1-based): chr14:23,415,807, G>T on the plus strand (C>A on the coding strand, the complement: MYH7 is on the minus strand). VCF-style: chr14-23415807-G-T. GRCh37 (hg19) VCF-style: chr14-23885016-G-T.
Other names: c.4979C>A (LRG_384t1); short protein forms A1660E.
Identifiers: ClinVar variation 449317 (VCV000449317.12), dbSNP rs1006534868, ClinGen allele CA257810052.

ClinVar aggregate classification (germline): Uncertain significance. Review status: criteria provided, multiple submitters, no conflicts (2 of 4 stars). 5 submissions from 5 submitters: Uncertain significance (5). Last evaluated 2024-08-26.

Conditions:
MYH7-related skeletal myopathy. Also called: Laing distal myopathy; Laing early-onset distal myopathy; Myopathy, distal, 1; MYOPATHY, DISTAL, EARLY-ONSET, AUTOSOMAL DOMINANT; MYOPATHY, LATE DISTAL HEREDITARY. Identifiers: Orphanet 59135, MedGen C4552004, MONDO:0008050, OMIM 160500.
Congenital myopathy with fiber type disproportion. Also called: Congenital fiber-type disproportion myopathy; Congenital fiber-type disproportion. Identifiers: Orphanet 2020, MedGen C0546264, MONDO:0009711. Inheritance: all.
Myopathy, myosin storage, autosomal recessive (CMYO7B). Also called: CONGENITAL MYOPATHY 7B, MYOSIN STORAGE, AUTOSOMAL RECESSIVE. Identifiers: Orphanet 636970, MedGen C1850709, MONDO:0009708, OMIM 255160.
Dilated cardiomyopathy 1S (CMD1S). Identifiers: Orphanet 154, Orphanet 54260, MedGen C1834481, MONDO:0013262, OMIM 613426.
Myosin storage myopathy (CMYO7A). Also called: MYOPATHY WITH LYSIS OF TYPE I MYOFIBRILS; SCAPULOPERONEAL MUSCULAR DYSTROPHY; SCAPULOPERONEAL SYNDROME, MYOPATHIC TYPE; MYH7-related late-onset scapuloperoneal muscular dystrophy; Congenital myopathy 7A, myosin storage, autosomal dominant; MYOPATHY, HYALINE BODY, AUTOSOMAL DOMINANT. Identifiers: Orphanet 437572, Orphanet 636965, MedGen C1842160, MONDO:0008409, OMIM 608358.
Hypertrophic cardiomyopathy 1 (CMH1). Also called: Familial hypertrophic cardiomyopathy 1; MYH7-Related Familial Hypertrophic Cardiomyopathy. Identifiers: MedGen C3495498, MONDO:0008647, OMIM 192600.
Cardiomyopathy (CMYO). Also called: Cardiomyopathies. Identifiers: Orphanet 167848, MedGen C0878544, MONDO:0004994, HP:0001638. Inheritance: Various modes of inheritance.
Hypertrophic cardiomyopathy. Also called: HYPERTROPHIC MYOCARDIOPATHY. Identifiers: Orphanet 217569, MedGen C0007194, MeSH D002312, MONDO:0005045, HP:0001639.

Allele frequency attached by ClinVar (database versions not stated): gnomAD exomes below 0.00001.
gnomAD v4.1: 5 of 1,614,230 alleles (0.00031%); highest among the groups gnomAD compares: Non-Finnish European, 0.00042%; no homozygotes.

Submissions (5):

Blueprint Genetics
Classification: Uncertain significance. Last evaluated: 2024-08-26. Review status: criteria provided, single submitter. Criteria: ACMG Guidelines, 2015. Collection method: clinical testing. Allele origin: germline.

All of Us Research Program, National Institutes of Health
Classification: Uncertain significance for Cardiomyopathy. Last evaluated: 2024-05-30. Review status: criteria provided, single submitter. Criteria: ACMG Guidelines, 2015. Collection method: clinical testing. Allele origin: germline. Inheritance: Autosomal dominant inheritance. Observed: 4 variant alleles, 4 heterozygotes.
Comment: This missense variant replaces alanine with glutamic acid at codon 1660 of the MYH7 protein. Computational prediction suggests that this variant may not impact protein structure and function (internally defined REVEL score threshold <= 0.5, PMID: 27666373). To our knowledge, functional studies have not been reported for this variant. This variant has been reported in an individual affected with dilated cardiomyopathy (PMID: 21750094). This variant has not been identified in the general population by the Genome Aggregation Database (gnomAD). The available evidence is insufficient to determine the role of this variant in disease conclusively. Therefore, this variant is classified as a Variant of Uncertain Significance.

This study involves interpretation of variants in research participants for the purpose of population health screening. Participant phenotype was not available at the time of variant classification. Additional details can be found in publication PMID: 35346344, PMCID: PMC8962531

Labcorp Genetics (formerly Invitae), Labcorp
Classification: Uncertain significance for Hypertrophic cardiomyopathy. Last evaluated: 2023-10-14. Review status: criteria provided, single submitter. Criteria: Invitae Variant Classification Sherloc (09022015). Collection method: clinical testing. Allele origin: germline.
Comment: This sequence change replaces alanine, which is neutral and non-polar, with glutamic acid, which is acidic and polar, at codon 1660 of the MYH7 protein (p.Ala1660Glu). This variant is not present in population databases (gnomAD no frequency). This missense change has been observed in individual(s) with dilated cardiomyopathy (PMID: 21750094). ClinVar contains an entry for this variant (Variation ID: 449317). Advanced modeling of protein sequence and biophysical properties (such as structural, functional, and spatial information, amino acid conservation, physicochemical variation, residue mobility, and thermodynamic stability) performed at Invitae indicates that this missense variant is not expected to disrupt MYH7 protein function. In summary, the available evidence is currently insufficient to determine the role of this variant in disease. Therefore, it has been classified as a Variant of Uncertain Significance.

Fulgent Genetics
Classification: Uncertain significance for MYH7-related skeletal myopathy; Myosin storage myopathy; Hypertrophic cardiomyopathy 1; Myopathy, myosin storage, autosomal recessive; Congenital myopathy 4A, autosomal dominant; Dilated cardiomyopathy 1S. Last evaluated: 2021-08-31. Review status: criteria provided, single submitter. Criteria: ACMG Guidelines, 2015. Collection method: clinical testing. Allele origin: unknown.

GeneDx
Classification: Uncertain significance. Last evaluated: 2017-08-21. Review status: criteria provided, single submitter. Criteria: GeneDx Variant Classification (06012015). Collection method: clinical testing. Allele origin: germline. Affected: yes.
Comment: The A1660E variant has been previously reported in an individual with dilated cardiomyopathy; however, additional detailed clinical information and segregation analysis was not provided (Waldmuller et al., 2011). The A1660E variant is not observed in large population cohorts (Lek et al., 2016; 1000 Genomes Consortium et al., 2015; Exome Variant Server). This variant is a non-conservative amino acid substitution, which is likely to impact secondary protein structure as these residues differ in polarity, charge, size and/or other properties. This substitution occurs at a position that is conserved in mammals. However, in silico analysis is inconsistent in its predictions as to whether or not the variant is damaging to the protein structure/function.

Literature cited by the submitters: PubMed 21750094 (cited by All of Us Research Program, National Institutes of Health and Labcorp Genetics (formerly Invitae), Labcorp).